The following is an entry in ClinVar:

ClinVar aggregate classification (germline): Pathogenic/Likely pathogenic. Review status: criteria provided, multiple submitters, no conflicts (2 of 4 stars). 23 submissions from 23 submitters: Pathogenic (18); Likely pathogenic (2). 3 of the submissions do not count toward it. Last evaluated 2026-02-25.

Conditions:
Inborn genetic diseases. Identifiers: MedGen C0950123, MeSH D030342.
Deficiency of beta-ureidopropionase (UPB1D). Also called: Beta-ureidopropionase deficiency. Identifiers: Orphanet 65287, MedGen C1291512, MONDO:0013164, OMIM 613161.
UPB1-related disorder. Also called: UPB1-related condition.

Allele frequency attached by ClinVar (database versions not stated): 1000 Genomes Project 30x 0.00031; 1000 Genomes Project 0.00040; TOPMed 0.00144; gnomAD 0.00165 and 0.00169; gnomAD exomes 0.00178 and 0.00194; ExAC 0.00192; ESP Exome Variant Server 0.00215.
gnomAD v4.1: 3,058 of 1,614,200 alleles (0.19%); highest among the groups gnomAD compares: Non-Finnish European, 0.22%; 7 homozygotes.

Submissions 1 to 12 of 26:

PreventionGenetics, part of Exact Sciences
Classification: Pathogenic for UPB1-related condition. Last evaluated: 2026-02-25. Review status: criteria provided, single submitter. Criteria: ACMG Guidelines, 2015. Collection method: clinical testing. Allele origin: germline.
Comment: The UPB1 c.917-1G>A variant is predicted to disrupt the AG splice acceptor site and interfere with normal splicing. This variant has been reported previously in the compound heterozygous and homozygous state in multiple patients as causative for β-ureidopropionase deficiency (van Kuilenburg et al. 2004. PubMed ID: 15385443; van Kuilenburg et al. 2012. PubMed ID: 22525402; Fang et al. 2019. PubMed ID: 30608453; OMIM #613161). Specifically, the individual homozygous for this variant presented with a prolonged seizure event (status epilepticus) following a hospital visit for cyanosis (van Kuilenburg et al. 2004, PubMed ID: 15385443). This variant is reported in 0.37% of alleles in individuals of Ashkenazi Jewish descent in gnomAD. Taken together, we classify this variant as pathogenic.

Labcorp Genetics (formerly Invitae), Labcorp
Classification: Pathogenic. Last evaluated: 2026-01-19. Review status: criteria provided, single submitter. Criteria: Invitae Variant Classification Sherloc (09022015). Collection method: clinical testing. Allele origin: germline.
Comment: This sequence change affects an acceptor splice site in intron 8 of the UPB1 gene. It is expected to disrupt RNA splicing. Variants that disrupt the donor or acceptor splice site typically lead to a loss of protein function (PMID: 16199547), and loss-of-function variants in UPB1 are known to be pathogenic (PMID: 15385443, 22525402). This variant is present in population databases (rs143493067, gnomAD 0.4%), and has an allele count higher than expected for a pathogenic variant. Disruption of this splice site has been observed in individuals with beta-ureidopropionase deficiency (PMID: 11783491, 15385443, 24526388). This variant is also known as IVS8-1G>A. ClinVar contains an entry for this variant (Variation ID: 445946). Algorithms developed to predict the effect of sequence changes on RNA splicing suggest that this variant may disrupt the consensus splice site. For these reasons, this variant has been classified as Pathogenic.

Dasa
Classification: Pathogenic. Last evaluated: 2025-11-11. Review status: criteria provided, single submitter. Criteria: DASA Assertion Criteria. Collection method: clinical testing. Allele origin: germline.
Comment: NM_016327.3(UPB1):c.917-1G>A affects a canonical splice site and is predicted to disrupt normal RNA splicing, leading to loss of normal protein function. Loss-of-function is an established mechanism of disease for this gene. The variant is present at low frequency in population datasets. Based on the available data, this variant is classified as pathogenic.

Laboratory of Genetics, Children's Clinical University Hospital Latvia
Classification: Pathogenic. Last evaluated: 2025-02-16. Review status: criteria provided, single submitter. Criteria: ACMG Guidelines, 2015. Collection method: clinical testing. Allele origin: germline. Affected: yes.

First Genomix Gene Laboratory, Genetic Diagnostics Department
Classification: Pathogenic for Deficiency of beta-ureidopropionase. Last evaluated: 2025-02-04. Review status: criteria provided, single submitter. Criteria: ACMG Guidelines, 2015. Collection method: clinical testing. Allele origin: germline. Inheritance: Autosomal recessive inheritance. Affected: no. Observed: 1 variant allele.

Blueprint Genetics
Classification: Pathogenic for UPB1-related disorders. Last evaluated: 2024-11-25. Review status: criteria provided, single submitter. Criteria: ACMG Guidelines, 2015. Collection method: clinical testing. Allele origin: germline. Affected: yes. Observed: 5 variant alleles.

Revvity Omics, Revvity
Classification: Pathogenic for Deficiency of beta-ureidopropionase. Last evaluated: 2024-11-22. Review status: criteria provided, single submitter. Criteria: ACMG Guidelines, 2015. Collection method: clinical testing. Allele origin: germline.

Genomic Medicine Center of Excellence, King Faisal Specialist Hospital and Research Centre
Classification: Likely pathogenic for Beta-ureidopropionase deficiency. Last evaluated: 2024-03-14. Review status: criteria provided, single submitter. Criteria: ACMG Guidelines, 2015. Collection method: clinical testing. Allele origin: germline.

Illumina Laboratory Services, Illumina
Classification: Pathogenic for Deficiency of beta-ureidopropionase. Last evaluated: 2024-01-26. Review status: criteria provided, single submitter. Criteria: ICSLVariantClassificationCriteria RUGD 01 April 2020. Collection method: clinical testing. Allele origin: unknown.
Comment: The UPB1 c.917-1G>A variant results in a substitution at the consensus splice acceptor site, which is predicted to result in splicing defects that may lead to a truncated protein. This variant has been identified in individuals with beta-ureidopropionase deficiency, in both a homozygous and compound heterozygous state (PMID: 15385443; 30608453; 35151535). The highest frequency of this allele in the Genome Aggregation Database is 0.003817 in the Ashkenazi Jewish population (version 4.0.0). The Total population includes seven homozygous individuals. While this frequency is higher than expected for a variant associated with a neurodevelopmental disorder, it may not be inconsistent with the prevalence of a biochemical finding of beta-ureidopropionase deficiency (PMID: 35926322). This variant has been classified as pathogenic by at least three submitters in ClinVar. Based on the available evidence, the UPB1 c.917-1G>A variant is classified as pathogenic for beta-ureidopropionase deficiency.

Department of Pathology and Laboratory Medicine, Sinai Health System
Classification: Pathogenic for Deficiency of beta-ureidopropionase. Last evaluated: 2023-04-23. Review status: criteria provided, single submitter. Criteria: ACMG Guidelines, 2015. Collection method: research. Allele origin: germline.

GeneDx
Classification: Pathogenic. Last evaluated: 2022-05-04. Review status: criteria provided, single submitter. Criteria: GeneDx Variant Classification Process June 2021. Collection method: clinical testing. Allele origin: germline. Affected: yes.
Comment: Canonical splice site variant in a gene for which loss-of-function is a known mechanism of disease; This variant is associated with the following publications: (PMID: 11783491, 15385443, 31589614, 30487145, 34426522, 33789662, 24526388, 30608453)

Laboratory for Molecular Medicine, Mass General Brigham Personalized Medicine
Classification: Likely pathogenic for Deficiency of beta-ureidopropionase. Last evaluated: 2022-03-02. Review status: criteria provided, single submitter. Criteria: ACMG Guidelines, 2015. Collection method: clinical testing. Allele origin: germline. Inheritance: Autosomal recessive inheritance.
Comment: The c.917-1G>A variant in UPB1 has been reported in a homozygote infant who suffered sudden unexplained death (Schon 2021 PMID: 33789662) and in at least 1 homozygous and 2 compound-heterozygous individuals affected with beta-ureidopropionase deficiency (Van Kuilenburg 2004 PMID: 15385443, Fang 2019 PMID: 30608453, Nakajima 2014 PMID: 24526388). In one of these individuals this variant was found in the compound heterozygous state with another loss-of-function variant affecting a canonical splice site that is classified as pathogenic by multiple submitters in ClinVar (Variation ID: 4147). The variant has been identified in 0.366% (38/10368) of Ashkenazi Jewish chromosomes and 0.277% (358/129172), including one homozygote, of European chromosomes by gnomAD. These frequencies, however, are low enough to be consistent with a recessive carrier frequency for a disorder exhibiting low penetrance/variable expressivity as has been reported for beta-ureidopropionase deficiency (van Kuilenburg 2004 PMID: 15385443). This variant has also been reported in ClinVar (Variation ID 445946). It occurs in the canonical splice site (+/- 1,2) and is predicted to cause altered splicing leading to an abnormal or absent protein. Loss of function of the UPB1 gene is an established disease mechanism in autosomal recessive beta-ureidopropionase deficiency. In summary, although additional studies are required to fully establish its clinical significance, this variant meets criteria to be classified as likely pathogenic for autosomal recessive beta-ureidopropionase deficiency. ACMG/AMP Criteria applied: PVS1, PM3.

NM_016327.3(UPB1):c.917-1G>A

Gene: UPB1 (beta-ureidopropionase 1; plus strand). Cytogenetic location: 22q11.23.
Variant type: single nucleotide variant.
Coding change: c.917-1G>A on transcript NM_016327.3 (MANE Select); the canonical splice acceptor site of the intron before coding-DNA position 917, G replaced by A.
Molecular consequence: splice acceptor variant.
Genome position (GRCh38, 1-based): chr22:24,523,618, G>A. VCF-style: chr22-24523618-G-A. GRCh37 (hg19) VCF-style: chr22-24919586-G-A.
Other names: IVS8AS, G-A, -1.
Identifiers: ClinVar variation 445946 (VCV000445946.83), dbSNP rs143493067, ClinGen allele CA10153442.
Genomic context (GRCh38, chr22:24,523,618, plus strand): 5'-TCTGTGGAGCCCACAGTGCATCTACACAAGCTCACAGATGTGTTTCTTTGTTCCTTTAAA[G>A]CTCACCAGGACTTTGGCTACTTTTATGGCTCGAGCTATGTGGCAGCCCCTGACAGCAGCC-3'